The following is an entry in ClinVar:

ClinVar aggregate classification (germline): Likely benign. Review status: criteria provided, single submitter (1 of 4 stars). 2 submissions from 1 submitter: Likely benign (2). Last evaluated 2018-01-13.

Conditions:
DNA ligase IV deficiency. Identifiers: Orphanet 99812, MedGen C1847827, MONDO:0011686, OMIM 606593.
Severe combined immunodeficiency due to DCLRE1C deficiency (RS-SCID). Also called: SCID, AUTOSOMAL RECESSIVE, T CELL-NEGATIVE, B CELL-NEGATIVE, NK CELL-POSITIVE, WITH SENSITIVITY TO IONIZING RADIATION. Identifiers: Orphanet 275, MedGen C1865371, MONDO:0011225, OMIM 602450.

Allele frequency attached by ClinVar (database versions not stated): TOPMed 0.00323; gnomAD 0.00355 and 0.00359; 1000 Genomes Project 0.00240; 1000 Genomes Project 30x 0.00281.

Submissions (2):

Illumina Laboratory Services, Illumina
Classification: Likely benign for Severe combined immunodeficiency due to DCLRE1C deficiency. Last evaluated: 2018-01-13. Review status: criteria provided, single submitter. Criteria: ICSL Variant Classification Criteria 13 December 2019. Collection method: clinical testing. Allele origin: germline.
Comment: This variant was observed in the ICSL laboratory as part of a predisposition screen in an ostensibly healthy population. It had not been previously curated by ICSL or reported in the Human Gene Mutation Database (HGMD: prior to June 1st, 2018), and was therefore a candidate for classification through an automated scoring system. Utilizing variant allele frequency, disease prevalence and penetrance estimates, and inheritance mode, an automated score was calculated to assess if this variant is too frequent to cause the disease. Based on the score and internal cut-off values, a variant classified as likely benign is not then subjected to further curation. The score for this variant resulted in a classification of likely benign for this disease.

Illumina Laboratory Services, Illumina
Classification: Likely benign for DNA ligase IV deficiency. Last evaluated: 2018-01-13. Review status: criteria provided, single submitter. Criteria: ICSL Variant Classification Criteria 13 December 2019. Collection method: clinical testing. Allele origin: germline.
Comment: the same text as in the submission from Illumina Laboratory Services, Illumina above.

NM_206937.2(LIG4):c.*614A>C

Gene: LIG4 (DNA ligase 4; minus strand). Cytogenetic location: 13q33.3.
Variant type: single nucleotide variant.
Coding change: c.*614A>C on transcript NM_206937.2 (MANE Select); 614 bases downstream of the stop codon, A replaced by C.
Molecular consequence: 3 prime UTR variant.
Genome position (GRCh38, 1-based): chr13:108,207,919, T>G on the plus strand (A>C on the coding strand, the complement: LIG4 is on the minus strand). VCF-style: chr13-108207919-T-G. GRCh37 (hg19) VCF-style: chr13-108860267-T-G.
Other names: c.*614A>C (NM_001098268.2, NM_001330595.2, NM_001352598.2 and 8 more transcripts).
Identifiers: ClinVar variation 310956 (VCV000310956.5), dbSNP rs3093771, ClinGen allele CA10642736.